The following is an entry in ClinVar:

ClinVar aggregate classification (germline): Uncertain significance (1 of 4 stars; one submission).

Submission:

Labcorp Genetics (formerly Invitae), Labcorp
Classification: Uncertain significance. Last evaluated: 2025-04-28. Review status: criteria provided, single submitter. Criteria: Invitae Variant Classification Sherloc (09022015). Collection method: clinical testing. Allele origin: germline.
Comment: This sequence change replaces asparagine, which is neutral and polar, with lysine, which is basic and polar, at codon 377 of the MSH3 protein (p.Asn377Lys). This variant is not present in population databases (gnomAD no frequency). This variant has not been reported in the literature in individuals affected with MSH3-related conditions. ClinVar contains an entry for this variant (Variation ID: 2129473). An algorithm developed to predict the effect of missense changes on protein structure and function (PolyPhen-2) suggests that this variant is likely to be tolerated. In summary, the available evidence is currently insufficient to determine the role of this variant in disease. Therefore, it has been classified as a Variant of Uncertain Significance.

NM_002439.5(MSH3):c.1131T>G (p.Asn377Lys)

Gene: MSH3 (mutS homolog 3; plus strand). Cytogenetic location: 5q14.1.
Variant type: single nucleotide variant.
Coding change: c.1131T>G on transcript NM_002439.5 (MANE Select); coding-DNA position 1131, T replaced by G.
Protein change: p.Asn377Lys; replaces asparagine 377 with lysine.
Molecular consequence: missense variant.
Genome position (GRCh38, 1-based): chr5:80,675,086, T>G. VCF-style: chr5-80675086-T-G. GRCh37 (hg19) VCF-style: chr5-79970905-T-G.
Other names: short protein forms N377K.
Identifiers: ClinVar variation 2129473 (VCV002129473.4), dbSNP rs1397249493, ClinGen allele CA360268214.